The following is an entry in ClinVar:

NM_030662.4(MAP2K2):c.83G>A (p.Gly28Asp)

Genes: MAP2K2 (mitogen-activated protein kinase kinase 2; minus strand), LOC130063193 (ATAC-STARR-seq lymphoblastoid silent region 9881; plus strand). Cytogenetic location: 19p13.3.
Variant type: single nucleotide variant.
Coding change: c.83G>A on transcript NM_030662.4 (MANE Select); coding-DNA position 83, G replaced by A.
Protein change: p.Gly28Asp; replaces glycine 28 with aspartic acid.
Molecular consequence: missense variant.
Genome position (GRCh38, 1-based): chr19:4,123,793, C>T on the plus strand (G>A on the coding strand, the complement: MAP2K2 is on the minus strand). VCF-style: chr19-4123793-C-T. GRCh37 (hg19) VCF-style: chr19-4123790-C-T.
Other names: short protein forms G28D.
Identifiers: ClinVar variation 1965821 (VCV001965821.6), dbSNP rs763455417, ClinGen allele CA9091104.
Genomic context (GRCh38, chr19:4,123,793, plus strand): 5'-GGCTCCCTGCCCCGTGCACCCCAAGCCTCCGGCTGACCCCTGCCCACTCACTCGGAGGCG[C>T]CCTCGCTGGTAGGGGATGGGCCCTCGGCGATGGTAGGGTTGATGGTGAGCGCCGGCAGCA-3'
Protein context (NP_109587.1, residues 18-38): IAEGPSPTSE[Gly28Asp]ASEANLVDLQ

ClinVar aggregate classification (germline): Uncertain significance. Review status: criteria provided, multiple submitters, no conflicts (2 of 4 stars). 2 submissions from 2 submitters: Uncertain significance (2). Last evaluated 2026-08-16.

Conditions:
RASopathy. Also called: rasopathies; Noonan spectrum disorder. Identifiers: Orphanet 536391, MedGen C5555857, MONDO:0021060.
Cardiovascular phenotype. Identifiers: MedGen CN230736.

Allele frequency attached by ClinVar (database versions not stated): gnomAD exomes 0.00001; ExAC 0.00004.
gnomAD v4.1: 7 of 1,560,138 alleles (0.00045%); highest among the groups gnomAD compares: Non-Finnish European, 0.0006%; no homozygotes.

Submissions (2):

Ambry Genetics
Classification: Uncertain significance for Cardiovascular phenotype. Last evaluated: 2026-08-16. Review status: criteria provided, single submitter. Criteria: Ambry Variant Classification Scheme 2023. Collection method: clinical testing. Allele origin: germline.
Comment: The p.G28D variant (also known as c.83G>A), located in coding exon 1 of the MAP2K2 gene, results from a G to A substitution at nucleotide position 83. The glycine at codon 28 is replaced by aspartic acid, an amino acid with similar properties. This amino acid position is conserved. In addition, this alteration is predicted to be tolerated by in silico analysis. Based on the available evidence, the clinical significance of this variant remains unclear.

Labcorp Genetics (formerly Invitae), Labcorp
Classification: Uncertain significance for RASopathy. Last evaluated: 2023-01-31. Review status: criteria provided, single submitter. Criteria: Invitae Variant Classification Sherloc (09022015). Collection method: clinical testing. Allele origin: germline.
Comment: This variant has not been reported in the literature in individuals affected with MAP2K2-related conditions. This sequence change replaces glycine, which is neutral and non-polar, with aspartic acid, which is acidic and polar, at codon 28 of the MAP2K2 protein (p.Gly28Asp). The frequency data for this variant in the population databases is considered unreliable, as metrics indicate poor data quality at this position in the gnomAD database. Advanced modeling of protein sequence and biophysical properties (such as structural, functional, and spatial information, amino acid conservation, physicochemical variation, residue mobility, and thermodynamic stability) performed at Invitae indicates that this missense variant is expected to disrupt MAP2K2 protein function. In summary, the available evidence is currently insufficient to determine the role of this variant in disease. Therefore, it has been classified as a Variant of Uncertain Significance.